The following is an entry in ClinVar:

NM_001243133.2(NLRP3):c.1896G>T (p.Leu632Phe)

Gene: NLRP3 (NLR family pyrin domain containing 3; plus strand). Cytogenetic location: 1q44.
Variant type: single nucleotide variant.
Coding change: c.1896G>T on transcript NM_001243133.2 (MANE Select); coding-DNA position 1896, G replaced by T.
Protein change: p.Leu632Phe; replaces leucine 632 with phenylalanine.
Molecular consequence: missense variant.
Genome position (GRCh38, 1-based): chr1:247,425,345, G>T. VCF-style: chr1-247425345-G-T. GRCh37 (hg19) VCF-style: chr1-247588647-G-T.
Other names: c.1896G>T, p.Leu632Phe (NM_001079821.3, NM_001127461.3, NM_001127462.3 and 1 more transcripts); c.1902G>T, p.Leu634Phe (NM_004895.5); short protein forms L634F, L632F.
Identifiers: ClinVar variation 97951 (VCV000097951.1), dbSNP rs180177446, ClinGen allele CA281282.

ClinVar aggregate classification (germline): not provided (0 of 4 stars; one submission).

Conditions:
Familial cold autoinflammatory syndrome 1 (FCAS1). Also called: CRYOPYRIN-ASSOCIATED PERIODIC SYNDROME 1; Familial cold inflammatory syndrome 1. Identifiers: Orphanet 47045, MedGen C4551895, MONDO:0007349, OMIM 120100.

Submission:

Unité médicale des maladies autoinflammatoires, CHRU Montpellier
No classification provided. Condition: Familial cold urticaria. Review status: no classification provided. Collection method: not provided. Allele origin: unknown.
Comment: also involved in OMIM 191900 and 607115